The following is an entry in ClinVar:

ClinVar aggregate classification (germline): Likely benign. Review status: criteria provided, multiple submitters, no conflicts (2 of 4 stars). 3 submissions from 3 submitters: Likely benign (3). Last evaluated 2026-01-20.

Conditions:
Hereditary spastic paraplegia 30. Identifiers: Orphanet 101010, MedGen C5235139, MONDO:0012476.
Neuropathy, hereditary sensory, type 2C. Also called: Hereditary sensory and autonomic neuropathy type IIC; KIF1A-Related HSAN2 (HSAN2C). Identifiers: Orphanet 970, MedGen C3280168, MONDO:0013634, OMIM 614213.
Intellectual disability, autosomal dominant 9 (NESCAVS). Also called: NESCAV SYNDROME; KIF1A-Related Neurodevelopmental Disorder. Identifiers: Orphanet 662367, MedGen C5393830, MONDO:0013656, OMIM 614255.

Allele frequency attached by ClinVar (database versions not stated): gnomAD exomes 0.00003 and 0.00006; ExAC 0.00005; TOPMed 0.00005; gnomAD 0.00007.
gnomAD v4.1: 65 of 1,607,086 alleles (0.004%); highest among the groups gnomAD compares: Admixed American, 0.0068%; no homozygotes.

Submissions (3):

Labcorp Genetics (formerly Invitae), Labcorp
Classification: Likely benign for Hereditary spastic paraplegia 30; Neuropathy, hereditary sensory, type 2C; Intellectual disability, autosomal dominant 9. Last evaluated: 2026-01-20. Review status: criteria provided, single submitter. Criteria: Invitae Variant Classification Sherloc (09022015). Collection method: clinical testing. Allele origin: germline.

Blueprint Genetics
Classification: Likely benign. Last evaluated: 2024-08-08. Review status: criteria provided, single submitter. Criteria: ACMG Guidelines, 2015. Collection method: clinical testing. Allele origin: germline.

CeGaT Center for Human Genetics Tuebingen
Classification: Likely benign. Last evaluated: 2022-07-01. Review status: criteria provided, single submitter. Criteria: CeGaT Center For Human Genetics Tuebingen Variant Classification Criteria Version 2. Collection method: clinical testing. Allele origin: germline. Affected: yes. Observed: 1 variant allele.
Comment: KIF1A: BP4

NM_001244008.2(KIF1A):c.3202+7C>T

Gene: KIF1A (kinesin family member 1A; minus strand). Cytogenetic location: 2q37.3.
Variant type: single nucleotide variant.
Coding change: c.3202+7C>T on transcript NM_001244008.2 (MANE Select); 7 bases into the intron after coding-DNA position 3202, C replaced by T.
Molecular consequence: intron variant.
Genome position (GRCh38, 1-based): chr2:240,746,032, G>A on the plus strand (C>T on the coding strand, the complement: KIF1A is on the minus strand). VCF-style: chr2-240746032-G-A. GRCh37 (hg19) VCF-style: chr2-241685449-G-A.
Other names: c.2899+7C>T (NM_001379653.1, NM_001379650.1, NM_001379640.1 and 6 more transcripts); c.3175+7C>T (NM_001379645.1, NM_001379633.1, NM_001379642.1); c.3001+7C>T (NM_001379635.1, NM_001330290.2, NM_001379646.1 and 1 more transcripts); c.3151+7C>T (NM_001379632.1); c.2974+7C>T (NM_001379637.1, NM_001379648.1); c.2926+7C>T (NM_001320705.2, NM_001379638.1, NM_001330289.2); c.3277+7C>T (NM_001379631.1).
Identifiers: ClinVar variation 532897 (VCV000532897.37), dbSNP rs781712580, ClinGen allele CA2207887.